The following is an entry in ClinVar:

ClinVar aggregate classification (germline): Pathogenic (0 of 4 stars; one submission).

Submission:

Quest Diagnostics Nichols Institute San Juan Capistrano
Classification: Pathogenic. Last evaluated: 2020-09-28. Review status: no assertion criteria provided. Collection method: clinical testing. Allele origin: germline.
Comment: The terminal deletion of the short arm of chromosome 4 is consistent with Wolf-Hirschhorn syndrome (WHS), a contiguous gene deletion syndrome associated with a hemizygous deletion of chromosome 4p16.3 (OMIM #194190). This syndrome is characterized by typical craniofacial features in infancy consisting of "Greek warrior helmet" appearance of the nose, microcephaly, high anterior hairline with prominent glabella, widely spaced eyes, epicanthus, highly arched eyebrows, short philtrum, downturned corners of the mouth, micrognathia, and poorly formed ears with pits/tags. All affected individuals have prenatal-onset growth deficiency followed by postnatal growth retardation and hypotonia with muscle underdevelopment. Developmental delay/intellectual disability of variable degree is present in all. Seizures occur in 90% to 100% of children with WHS. Other findings include skeletal anomalies (60%-70%), congenital heart defects (~50%), hearing loss (mostly conductive) (>40%), urinary tract malformations (25%), and structural brain abnormalities (33%). Although WHSC1/NSD2 and LETM1 are typically deleted in WHS, deletion of additional genes is likely required for the full expression of the phenotype (Battaglia et al., GeneReviews. Available from an online resource; Paradowska-Stolarz Adv Clin Exp Med. 2014 May-Jun;23(3):485-9. PMID: 24979523).

GRCh37/hg19 4p16.3-15.31(chr4:68345-20587167)x1

Genes: LINC01587 (long independently transcribed non-coding RNA 1587; plus strand), LRPAP1 (LDL receptor related protein associated protein 1; minus strand), LYAR (Ly1 antibody reactive; minus strand), MAEA (macrophage erythroblast attacher, E3 ubiquitin ligase; plus strand), MAN2B2 (mannosidase alpha class 2B member 2; plus strand) and 138 more. Cytogenetic location: 4p16.3-15.31.
Variant type: copy number loss.
Change: copy number 1 (one copy instead of two) of chr4:68,345-20,587,167 (20.52 Mb, GRCh37 coordinates, 1-based), cytogenetic band 4p16.3-15.31.
Identifiers: ClinVar variation 1341071 (VCV001341071.1).